The following is an entry in ClinVar:

NM_022436.3(ABCG5):c.1063C>G (p.Pro355Ala)

Genes: ABCG5 (ATP binding cassette subfamily G member 5; minus strand), DYNC2LI1 (dynein cytoplasmic 2 light intermediate chain 1; plus strand). Cytogenetic location: 2p21.
Variant type: single nucleotide variant.
Coding change: c.1063C>G on transcript NM_022436.3 (MANE Select); coding-DNA position 1063, C replaced by G.
Protein change: p.Pro355Ala; replaces proline 355 with alanine.
Molecular consequence: missense variant. On other transcripts: intron variant (2).
Genome position (GRCh38, 1-based): chr2:43,824,274, G>C on the plus strand (C>G on the coding strand, the complement: ABCG5 is on the minus strand). VCF-style: chr2-43824274-G-C. GRCh37 (hg19) VCF-style: chr2-44051413-G-C.
Other names: c.*16-3112G>C (NM_001348913.2, NM_001348912.2); short protein forms P355A.
Identifiers: ClinVar variation 4148384 (VCV004148384.2).

ClinVar aggregate classification (germline): Uncertain significance (1 of 4 stars; one submission).

Conditions:
Cardiovascular phenotype. Identifiers: MedGen CN230736.

gnomAD v4.1: 2 of 1,614,174 alleles (0.00012%); highest among the groups gnomAD compares: Middle Eastern, 0.016%; no homozygotes.

Submission:

Ambry Genetics
Classification: Uncertain significance for Cardiovascular phenotype. Last evaluated: 2026-01-21. Review status: criteria provided, single submitter. Criteria: Ambry Variant Classification Scheme 2023. Collection method: clinical testing. Allele origin: germline.
Comment: The p.P355A variant (also known as c.1063C>G), located in coding exon 8 of the ABCG5 gene, results from a C to G substitution at nucleotide position 1063. The proline at codon 355 is replaced by alanine, an amino acid with highly similar properties. This amino acid position is conserved. In addition, the in silico prediction for this alteration is inconclusive. Based on the available evidence, the clinical significance of this variant remains unclear.